The following is an entry in ClinVar:

NM_002227.4(JAK1):c.2923A>G (p.Ile975Val)

Gene: JAK1 (Janus kinase 1; minus strand). Cytogenetic location: 1p31.3.
Variant type: single nucleotide variant.
Coding change: c.2923A>G on transcript NM_002227.4 (MANE Select); coding-DNA position 2923, A replaced by G.
Protein change: p.Ile975Val; replaces isoleucine 975 with valine.
Molecular consequence: missense variant.
Genome position (GRCh38, 1-based): chr1:64,838,509, T>C on the plus strand (A>G on the coding strand, the complement: JAK1 is on the minus strand). VCF-style: chr1-64838509-T-C. GRCh37 (hg19) VCF-style: chr1-65304192-T-C.
Other names: c.2923A>G, p.Ile975Val (NM_001320923.2, NM_001321852.2, NM_001321853.2 and 3 more transcripts); c.2920A>G, p.Ile974Val (NM_001321857.2); short protein forms I975V, I974V.
Identifiers: ClinVar variation 3010619 (VCV003010619.3), dbSNP rs2523999363, ClinGen allele CA340663654.
Genomic context (GRCh38, chr1:64,838,509, plus strand): 5'-TGTCTTTATTTTTTACCTTACAAATCTGAACGGCATATTTTAGCTGCTGTTTGAGGTTTA[T>C]TTTGTTCTTATTCTTTGGAAGATATTCCTTAAGGCTTCCCGAAGGCAGAAATTCCATGAT-3'
Protein context (NP_002218.2, residues 965-985): KEYLPKNKNK[Ile975Val]NLKQQLKYAV

ClinVar aggregate classification (germline): Uncertain significance (1 of 4 stars; one submission).

Submission:

Labcorp Genetics (formerly Invitae), Labcorp
Classification: Uncertain significance. Last evaluated: 2025-01-06. Review status: criteria provided, single submitter. Criteria: Invitae Variant Classification Sherloc (09022015). Collection method: clinical testing. Allele origin: germline.
Comment: This sequence change replaces isoleucine, which is neutral and non-polar, with valine, which is neutral and non-polar, at codon 975 of the JAK1 protein (p.Ile975Val). This variant is not present in population databases (gnomAD no frequency). This variant has not been reported in the literature in individuals affected with JAK1-related conditions. ClinVar contains an entry for this variant (Variation ID: 3010619). Invitae Evidence Modeling of protein sequence and biophysical properties (such as structural, functional, and spatial information, amino acid conservation, physicochemical variation, residue mobility, and thermodynamic stability) indicates that this missense variant is not expected to disrupt JAK1 protein function with a negative predictive value of 80%. In summary, the available evidence is currently insufficient to determine the role of this variant in disease. Therefore, it has been classified as a Variant of Uncertain Significance.